The following is an entry in ClinVar:

ClinVar aggregate classification (germline): Likely pathogenic (1 of 4 stars; one submission).

gnomAD v4.1: 1 of 1,614,172 alleles (0.000062%); highest among the groups gnomAD compares: Admixed American, 0.0017%; no homozygotes.

Submission:

Labcorp Genetics (formerly Invitae), Labcorp
Classification: Likely pathogenic. Last evaluated: 2023-03-21. Review status: criteria provided, single submitter. Criteria: Invitae Variant Classification Sherloc (09022015). Collection method: clinical testing. Allele origin: germline.
Comment: This sequence change replaces proline, which is neutral and non-polar, with threonine, which is neutral and polar, at codon 86 of the MUT protein (p.Pro86Thr). This variant is present in population databases (no rsID available, gnomAD 0.003%). This variant has not been reported in the literature in individuals affected with MUT-related conditions. Advanced modeling of protein sequence and biophysical properties (such as structural, functional, and spatial information, amino acid conservation, physicochemical variation, residue mobility, and thermodynamic stability) performed at Invitae indicates that this missense variant is expected to disrupt MUT protein function. This variant disrupts the p.Pro86 amino acid residue in MUT. Other variant(s) that disrupt this residue have been determined to be pathogenic (PMID: 16281286, 24330302, 27233228). This suggests that this residue is clinically significant, and that variants that disrupt this residue are likely to be disease-causing. In summary, the currently available evidence indicates that the variant is pathogenic, but additional data are needed to prove that conclusively. Therefore, this variant has been classified as Likely Pathogenic.

Literature cited by the submitters: PubMed 16281286; PubMed 24330302; PubMed 27233228.

NM_000255.4(MMUT):c.256C>A (p.Pro86Thr)

Gene: MMUT (methylmalonyl-CoA mutase; minus strand). Cytogenetic location: 6p12.3.
Variant type: single nucleotide variant.
Coding change: c.256C>A on transcript NM_000255.4 (MANE Select); coding-DNA position 256, C replaced by A.
Protein change: p.Pro86Thr; replaces proline 86 with threonine.
Molecular consequence: missense variant.
Genome position (GRCh38, 1-based): chr6:49,459,211, G>T on the plus strand (C>A on the coding strand, the complement: MMUT is on the minus strand). VCF-style: chr6-49459211-G-T. GRCh37 (hg19) VCF-style: chr6-49426924-G-T.
Other names: short protein forms P86T.
Identifiers: ClinVar variation 2896570 (VCV002896570.3), dbSNP rs772660572, ClinGen allele CA364405168.